The following is an entry in ClinVar:

ClinVar aggregate classification (germline): Uncertain significance (1 of 4 stars; one submission).

Allele frequency attached by ClinVar (database versions not stated): gnomAD exomes 0.00003 and 0.00010; ExAC 0.00005; TOPMed 0.00012; ESP Exome Variant Server 0.00015; gnomAD 0.00019 and 0.00020.
gnomAD v4.1: 70 of 1,614,068 alleles (0.0043%); highest among the groups gnomAD compares: Admixed American, 0.068%; 1 homozygote.

Submissions (2):

Labcorp Genetics (formerly Invitae), Labcorp
Classification: Uncertain significance. Last evaluated: 2024-11-11. Review status: criteria provided, single submitter. Criteria: Invitae Variant Classification Sherloc (09022015). Collection method: clinical testing. Allele origin: germline.
Comment: This sequence change replaces methionine, which is neutral and non-polar, with valine, which is neutral and non-polar, at codon 802 of the ZNF335 protein (p.Met802Val). This variant is present in population databases (rs140947295, gnomAD 0.05%). This variant has not been reported in the literature in individuals affected with ZNF335-related conditions. ClinVar contains an entry for this variant (Variation ID: 1514112). Invitae Evidence Modeling of protein sequence and biophysical properties (such as structural, functional, and spatial information, amino acid conservation, physicochemical variation, residue mobility, and thermodynamic stability) indicates that this missense variant is not expected to disrupt ZNF335 protein function with a negative predictive value of 80%. Algorithms developed to predict the effect of sequence changes on RNA splicing suggest that this variant may disrupt the consensus splice site. In summary, the available evidence is currently insufficient to determine the role of this variant in disease. Therefore, it has been classified as a Variant of Uncertain Significance.

Dr. Peter K. Rogan Lab, Western University
No classification provided (evidence only). Condition: Malignant tumor of esophagus. Review status: no classification provided. Collection method: in vitro. Allele origin: not applicable. Functional consequence: retained intron. Not counted in ClinVar's aggregate classification.

NM_022095.4(ZNF335):c.2404A>G (p.Met802Val)

Gene: ZNF335 (zinc finger protein 335; minus strand). Cytogenetic location: 20q13.12.
Variant type: single nucleotide variant.
Coding change: c.2404A>G on transcript NM_022095.4 (MANE Select); coding-DNA position 2404, A replaced by G.
Protein change: p.Met802Val; replaces methionine 802 with valine.
Molecular consequence: missense variant.
Genome position (GRCh38, 1-based): chr20:45,957,624, T>C on the plus strand (A>G on the coding strand, the complement: ZNF335 is on the minus strand). VCF-style: chr20-45957624-T-C. GRCh37 (hg19) VCF-style: chr20-44586263-T-C.
Other names: short protein forms M802V.
Identifiers: ClinVar variation 1514112 (VCV001514112.6), dbSNP rs140947295, ClinGen allele CA9885372.